The following is an entry in ClinVar:

ClinVar aggregate classification (germline): Uncertain significance. Review status: criteria provided, multiple submitters, no conflicts (2 of 4 stars). 2 submissions from 2 submitters: Uncertain significance (2). Last evaluated 2025-08-03.

Conditions:
Inborn genetic diseases. Identifiers: MedGen C0950123, MeSH D030342.

Allele frequency attached by ClinVar (database versions not stated): ExAC 0.00003; gnomAD exomes 0.00004; TOPMed 0.00006; ESP Exome Variant Server 0.00008.
gnomAD v4.1: 64 of 1,614,052 alleles (0.004%); highest among the groups gnomAD compares: Admixed American, 0.012%; 1 homozygote.

Submissions (2):

Ambry Genetics
Classification: Uncertain significance for Inborn genetic diseases. Last evaluated: 2025-08-03. Review status: criteria provided, single submitter. Criteria: Ambry Variant Classification Scheme 2023. Collection method: clinical testing. Allele origin: germline.

Labcorp Genetics (formerly Invitae), Labcorp
Classification: Uncertain significance. Last evaluated: 2022-08-15. Review status: criteria provided, single submitter. Criteria: Invitae Variant Classification Sherloc (09022015). Collection method: clinical testing. Allele origin: germline.
Comment: This sequence change replaces arginine, which is basic and polar, with tryptophan, which is neutral and slightly polar, at codon 48 of the DZIP1L protein (p.Arg48Trp). This variant is present in population databases (rs374088265, gnomAD 0.02%). This variant has not been reported in the literature in individuals affected with DZIP1L-related conditions. Algorithms developed to predict the effect of missense changes on protein structure and function are either unavailable or do not agree on the potential impact of this missense change (SIFT: "Deleterious"; PolyPhen-2: "Probably Damaging"; Align-GVGD: "Class C0"). In summary, the available evidence is currently insufficient to determine the role of this variant in disease. Therefore, it has been classified as a Variant of Uncertain Significance.

NM_173543.3(DZIP1L):c.142C>T (p.Arg48Trp)

Gene: DZIP1L (DAZ interacting zinc finger protein 1 like; minus strand). Cytogenetic location: 3q22.3.
Variant type: single nucleotide variant.
Coding change: c.142C>T on transcript NM_173543.3 (MANE Select); coding-DNA position 142, C replaced by T.
Protein change: p.Arg48Trp; replaces arginine 48 with tryptophan.
Molecular consequence: missense variant.
Genome position (GRCh38, 1-based): chr3:138,103,830, G>A on the plus strand (C>T on the coding strand, the complement: DZIP1L is on the minus strand). VCF-style: chr3-138103830-G-A. GRCh37 (hg19) VCF-style: chr3-137822672-G-A.
Other names: c.142C>T, p.Arg48Trp (NM_001170538.1); short protein forms R48W.
Identifiers: ClinVar variation 1979104 (VCV001979104.3), dbSNP rs374088265, ClinGen allele CA2635355.